The following is an entry in ClinVar:

NM_000284.4(PDHA1):c.847G>A (p.Glu283Lys)

Gene: PDHA1 (pyruvate dehydrogenase E1 subunit alpha 1; plus strand). Cytogenetic location: Xp22.12.
Variant type: single nucleotide variant.
Coding change: c.847G>A on transcript NM_000284.4 (MANE Select); coding-DNA position 847, G replaced by A.
Protein change: p.Glu283Lys; replaces glutamic acid 283 with lysine.
Molecular consequence: missense variant.
Genome position (GRCh38, 1-based): chrX:19,357,667, G>A. VCF-style: chrX-19357667-G-A. GRCh37 (hg19) VCF-style: chrX-19375785-G-A.
Other names: c.961G>A, p.Glu321Lys (NM_001173454.2); c.868G>A, p.Glu290Lys (NM_001173455.2); c.754G>A, p.Glu252Lys (NM_001173456.2); short protein forms E252K, E283K, E290K, E321K.
Identifiers: ClinVar variation 4070509 (VCV004070509.1).

ClinVar aggregate classification (germline): Pathogenic (0 of 4 stars; one submission).

Conditions:
Pyruvate dehydrogenase E1-alpha deficiency (PDHAD). Also called: ATAXIA, INTERMITTENT, WITH PYRUVATE DEHYDROGENASE DEFICIENCY; ATAXIA WITH LACTIC ACIDOSIS I; ATAXIA, INTERMITTENT, WITH ABNORMAL PYRUVATE METABOLISM; Ataxia, intermittent, with pyruvate dehydrogenase, or decarboxylase, deficiency. Identifiers: Orphanet 79243, MedGen C1839413, MONDO:0010717, OMIM 312170.

Submission:

PDHA1 Study Group, University Children’s Hospital, Paracelsus Medical University
Classification: Pathogenic for Pyruvate dehydrogenase E1-alpha deficiency. Last evaluated: 2024-10-15. Review status: no assertion criteria provided. Collection method: research. Allele origin: germline. Affected: yes. Observed: 2 variant alleles.
Comment: The NM_000284.3:c.847G>A (p.Glu283Lys) substitution is a missense variant in PDHA1 gene. In total, 2 individuals were diagnosed with PDHA1-related Pyruvate dehydrogenase complex (PDHc) deficiency (MIM #312170). The variant has been reported in 2 published cases (PMIDs: 28918066, 23021068). Last literature search: July 12, 2024. This variant is absent or extremely rare in population-based cohorts in the Genome Aggregation Database (gnomAD). Individuals harboring this variant presented with clinical features compatible with PDHA1-related PDHc deficiency. In summary, this variant meets criteria to be classified as pathogenic (P) for PDHA1-related PDHc deficiency based on the ACMG/AMP criteria applied: PS3, PM1, PM2, PM7, PP3 (last assessment October 15, 2024).

Literature cited by the submitters: PubMed 28918066; PubMed 23021068; DOI 10.1093/brain/awaf430.